The following is an entry in ClinVar:

NM_024675.4(PALB2):c.107A>G (p.Gln36Arg)

Gene: PALB2 (partner and localizer of BRCA2; minus strand). Cytogenetic location: 16p12.2.
Variant type: single nucleotide variant.
Coding change: c.107A>G on transcript NM_024675.4 (MANE Select); coding-DNA position 107, A replaced by G.
Protein change: p.Gln36Arg; replaces glutamine 36 with arginine.
Molecular consequence: missense variant. On other transcripts: 5 prime UTR variant (8), intron variant (4).
Genome position (GRCh38, 1-based): chr16:23,638,071, T>C on the plus strand (A>G on the coding strand, the complement: PALB2 is on the minus strand). VCF-style: chr16-23638071-T-C. GRCh37 (hg19) VCF-style: chr16-23649392-T-C.
Other names: c.107A>G, p.Gln36Arg (NM_001407297.1, NM_001407298.1, NM_001407299.1 and 3 more transcripts); c.-779A>G (NM_001407304.1, NM_001407305.1, NM_001407306.1 and 5 more transcripts); c.48+3039A>G (NM_001407314.1); c.-105+3039A>G (NM_001407313.1, NM_001407312.1); c.49-119A>G (NM_001407296.1); short protein forms Q36R.
Identifiers: ClinVar variation 3208092 (VCV003208092.3), dbSNP rs2142459764, ClinGen allele CA395139581.

ClinVar aggregate classification (germline): Uncertain significance. Review status: criteria provided, multiple submitters, no conflicts (2 of 4 stars). 2 submissions from 2 submitters: Uncertain significance (2). Last evaluated 2025-01-07.

Conditions:
Hereditary cancer-predisposing syndrome. Also called: Tumor predisposition; Hereditary neoplastic syndrome; Hereditary Cancer Syndrome; Neoplastic Syndromes, Hereditary. Identifiers: Orphanet 140162, MedGen C0027672, MeSH D009386, MONDO:0015356.
Familial cancer of breast. Also called: BREAST CANCER, FAMILIAL; Hereditary breast cancer; hereditary breast carcinoma. Identifiers: Orphanet 227535, MedGen C0346153, MONDO:0016419, OMIM 114480. Disease mechanism: loss of function.

Submissions (2):

Labcorp Genetics (formerly Invitae), Labcorp
Classification: Uncertain significance for Familial cancer of breast. Last evaluated: 2025-01-07. Review status: criteria provided, single submitter. Criteria: Invitae Variant Classification Sherloc (09022015). Collection method: clinical testing. Allele origin: germline.
Comment: This sequence change replaces glutamine, which is neutral and polar, with arginine, which is basic and polar, at codon 36 of the PALB2 protein (p.Gln36Arg). This variant is not present in population databases (gnomAD no frequency). This variant has not been reported in the literature in individuals affected with PALB2-related conditions. ClinVar contains an entry for this variant (Variation ID: 3208092). An algorithm developed to predict the effect of missense changes on protein structure and function (PolyPhen-2) suggests that this variant is likely to be disruptive. In summary, the available evidence is currently insufficient to determine the role of this variant in disease. Therefore, it has been classified as a Variant of Uncertain Significance.

Ambry Genetics
Classification: Uncertain significance for Hereditary cancer-predisposing syndrome. Last evaluated: 2021-11-16. Review status: criteria provided, single submitter. Criteria: Ambry Variant Classification Scheme 2023. Collection method: clinical testing. Allele origin: germline.